The following is an entry in ClinVar:

ClinVar aggregate classification (germline): Uncertain significance (1 of 4 stars; one submission).

Conditions:
Compton-North congenital myopathy (CMYO12). Identifiers: Orphanet 210163, MedGen C2675527, MONDO:0012929, OMIM 612540.

Allele frequency attached by ClinVar (database versions not stated): TOPMed below 0.00001; gnomAD 0.00001; gnomAD exomes 0.00001 and 0.00002.
gnomAD v4.1: 9 of 1,612,738 alleles (0.00056%); highest among the groups gnomAD compares: Admixed American, 0.0067%; no homozygotes.

Submission:

Labcorp Genetics (formerly Invitae), Labcorp
Classification: Uncertain significance for Compton-North congenital myopathy. Last evaluated: 2020-02-27. Review status: criteria provided, single submitter. Criteria: Invitae Variant Classification Sherloc (09022015). Collection method: clinical testing. Allele origin: germline.
Comment: This sequence change replaces isoleucine with threonine at codon 218 of the CNTN1 protein (p.Ile218Thr). The isoleucine residue is highly conserved and there is a moderate physicochemical difference between isoleucine and threonine. This variant is not present in population databases (ExAC no frequency). In summary, the available evidence is currently insufficient to determine the role of this variant in disease. Therefore, it has been classified as a Variant of Uncertain Significance. Algorithms developed to predict the effect of missense changes on protein structure and function are either unavailable or do not agree on the potential impact of this missense change (SIFT: "Deleterious"; PolyPhen-2: "Benign"; Align-GVGD: "Class C25"). This variant has not been reported in the literature in individuals with CNTN1-related conditions.

NM_001843.4(CNTN1):c.653T>C (p.Ile218Thr)

Gene: CNTN1 (contactin 1; plus strand). Cytogenetic location: 12q12.
Variant type: single nucleotide variant.
Coding change: c.653T>C on transcript NM_001843.4 (MANE Select); coding-DNA position 653, T replaced by C.
Protein change: p.Ile218Thr; replaces isoleucine 218 with threonine.
Molecular consequence: missense variant.
Genome position (GRCh38, 1-based): chr12:40,929,952, T>C. VCF-style: chr12-40929952-T-C. GRCh37 (hg19) VCF-style: chr12-41323754-T-C.
Other names: c.653T>C, p.Ile218Thr (NM_001256063.2, NM_001256064.2); c.620T>C, p.Ile207Thr (NM_175038.2); short protein forms I207T, I218T.
Identifiers: ClinVar variation 1002662 (VCV001002662.9), dbSNP rs1379159066, ClinGen allele CA384422793.
Genomic context (GRCh38, chr12:40,929,952, plus strand): 5'-TTGCAAATGTTGAGGCTTCCGACAAAGGCAATTATTCCTGCTTTGTTTCCAGTCCTTCTA[T>C]TACAAAGAGCGTGTTCAGCAAATTCATCCCACTCATTCCAATACCTGAACGTAAGTATTT-3'
Protein context (NP_001834.2, residues 208-228): NYSCFVSSPS[Ile218Thr]TKSVFSKFIP